The following is an entry in ClinVar:

ClinVar aggregate classification (germline): Uncertain significance. Review status: criteria provided, single submitter (1 of 4 stars). 2 submissions from 2 submitters: Uncertain significance (1). 1 of the submissions does not count toward it. Last evaluated 2023-11-21.

Conditions:
Bethlem myopathy 1A. Also called: MYOPATHY, BENIGN CONGENITAL, WITH CONTRACTURES; Bethlem Muscular Dystrophy; Bethlem myopathy 1. Identifiers: Orphanet 610, MedGen CN029274, MONDO:0024530, OMIM 158810.

Allele frequency attached by ClinVar (database versions not stated): gnomAD 0.00001.
gnomAD v4.1: 7 of 1,611,340 alleles (0.00043%); highest among the groups gnomAD compares: Non-Finnish European, 0.00059%; no homozygotes.

Submissions (2):

Labcorp Genetics (formerly Invitae), Labcorp
Classification: Uncertain significance for Bethlem myopathy 1A. Last evaluated: 2023-11-21. Review status: criteria provided, single submitter. Criteria: Invitae Variant Classification Sherloc (09022015). Collection method: clinical testing. Allele origin: germline.
Comment: This sequence change replaces arginine, which is basic and polar, with glutamine, which is neutral and polar, at codon 2251 of the COL6A3 protein (p.Arg2251Gln). The frequency data for this variant in the population databases is considered unreliable, as metrics indicate poor data quality at this position in the gnomAD database. This missense change has been observed in individual(s) with clinical features of type VI skeletal muscle collagenopathy (PMID: 31127727). Experimental studies and prediction algorithms are not available or were not evaluated, and the functional significance of this variant is currently unknown. In summary, the available evidence is currently insufficient to determine the role of this variant in disease. Therefore, it has been classified as a Variant of Uncertain Significance.

Zotz-Klimas Genetics Lab, MVZ Zotz Klimas
Classification: Uncertain significance for Bethlem myopathy 1A. Last evaluated: 2023-10-09. Review status: no assertion criteria provided. Collection method: clinical testing. Allele origin: germline. Affected: yes. Not counted in ClinVar's aggregate classification.

Literature cited by the submitters: PubMed 31127727 (cited by Labcorp Genetics (formerly Invitae), Labcorp).

NM_004369.4(COL6A3):c.6752G>A (p.Arg2251Gln)

Gene: COL6A3 (collagen type VI alpha 3 chain; minus strand). Cytogenetic location: 2q37.3.
Variant type: single nucleotide variant.
Coding change: c.6752G>A on transcript NM_004369.4 (MANE Select); coding-DNA position 6752, G replaced by A.
Protein change: p.Arg2251Gln; replaces arginine 2251 with glutamine.
Molecular consequence: missense variant.
Genome position (GRCh38, 1-based): chr2:237,352,523, C>T on the plus strand (G>A on the coding strand, the complement: COL6A3 is on the minus strand). VCF-style: chr2-237352523-C-T. GRCh37 (hg19) VCF-style: chr2-238261166-C-T.
Other names: c.4931G>A, p.Arg1644Gln (NM_057166.5); c.6134G>A, p.Arg2045Gln (NM_057167.4); short protein forms R1644Q, R2045Q, R2251Q.
Identifiers: ClinVar variation 2582722 (VCV002582722.4), dbSNP rs1249297322, ClinGen allele CA351211564.
Genomic context (GRCh38, chr2:237,352,523, plus strand): 5'-TGCTTGGCAATGTGCCCTCTGTTCAGCTAGAGAGGGGGCTGGTATTAGGACAGGCTTACC[C>T]GAGGTCCAGAAATGCCTTGTTCTCCTATCAGCCCTGGAGGACCAGCAGGACCAGCTGGGC-3'
Protein context (NP_004360.2, residues 2241-2261): LIGEQGISGP[Arg2251Gln]GSGGAAGAPG